The following is an entry in ClinVar:

NM_212482.4(FN1):c.3190G>T (p.Val1064Leu)

Gene: FN1 (fibronectin 1; minus strand). Cytogenetic location: 2q35.
Variant type: single nucleotide variant.
Coding change: c.3190G>T on transcript NM_212482.4 (MANE Select); coding-DNA position 3190, G replaced by T.
Protein change: p.Val1064Leu; replaces valine 1064 with leucine.
Molecular consequence: missense variant.
Genome position (GRCh38, 1-based): chr2:215,404,452, C>A on the plus strand (G>T on the coding strand, the complement: FN1 is on the minus strand). VCF-style: chr2-215404452-C-A. GRCh37 (hg19) VCF-style: chr2-216269175-C-A.
Other names: c.3190G>T, p.Val1064Leu (NM_001306129.2, NM_001306130.2, NM_001306131.2 and 13 more transcripts); short protein forms V1064L.
Identifiers: ClinVar variation 3688133 (VCV003688133.2).

ClinVar aggregate classification (germline): Uncertain significance (1 of 4 stars; one submission).

gnomAD v4.1: 1 of 1,614,030 alleles (0.000062%); highest among the groups gnomAD compares: Non-Finnish European, 0.000085%; no homozygotes.

Submission:

Labcorp Genetics (formerly Invitae), Labcorp
Classification: Uncertain significance. Last evaluated: 2024-09-18. Review status: criteria provided, single submitter. Criteria: Invitae Variant Classification Sherloc (09022015). Collection method: clinical testing. Allele origin: germline.
Comment: This sequence change replaces valine, which is neutral and non-polar, with leucine, which is neutral and non-polar, at codon 1064 of the FN1 protein (p.Val1064Leu). This variant is not present in population databases (gnomAD no frequency). This variant has not been reported in the literature in individuals affected with FN1-related conditions. Invitae Evidence Modeling of protein sequence and biophysical properties (such as structural, functional, and spatial information, amino acid conservation, physicochemical variation, residue mobility, and thermodynamic stability) indicates that this missense variant is not expected to disrupt FN1 protein function with a negative predictive value of 80%. In summary, the available evidence is currently insufficient to determine the role of this variant in disease. Therefore, it has been classified as a Variant of Uncertain Significance.